The following is an entry in ClinVar:

NM_000262.3(NAGA):c.324+80A>G

Genes: NAGA (alpha-N-acetylgalactosaminidase; minus strand), LOC126863160 (CDK7 strongly-dependent group 2 enhancer GRCh37_chr22:42462918-42464117; plus strand). Cytogenetic location: 22q13.2.
Variant type: single nucleotide variant.
Coding change: c.324+80A>G on transcript NM_000262.3 (MANE Select); 80 bases into the intron after coding-DNA position 324, A replaced by G.
Molecular consequence: intron variant.
Genome position (GRCh38, 1-based): chr22:42,067,685, T>C on the plus strand (A>G on the coding strand, the complement: NAGA is on the minus strand). VCF-style: chr22-42067685-T-C. GRCh37 (hg19) VCF-style: chr22-42463689-T-C.
Other names: c.324+80A>G (NM_001362850.1, NM_001362848.1).
Identifiers: ClinVar variation 682644 (VCV000682644.2), dbSNP rs133368, ClinGen allele CA14960349.

ClinVar aggregate classification (germline): Benign. Review status: criteria provided, multiple submitters, no conflicts (2 of 4 stars). 2 submissions from 2 submitters: Benign (2). Last evaluated 2018-06-19.

Allele frequency attached by ClinVar (database versions not stated): gnomAD 0.61623 and 0.61934; TOPMed 0.62203; 1000 Genomes Project 30x 0.63944; 1000 Genomes Project 0.64437.
gnomAD v4.1: 835,249 of 1,253,636 alleles (67%); highest among the groups gnomAD compares: East Asian, 85%; 281,099 homozygotes.

Submissions (2):

GeneDx
Classification: Benign. Last evaluated: 2018-06-19. Review status: criteria provided, single submitter. Criteria: GeneDx Variant Classification (06012015). Collection method: clinical testing. Allele origin: germline. Affected: yes.
Comment: This variant is considered likely benign or benign based on one or more of the following criteria: it is a conservative change, it occurs at a poorly conserved position in the protein, it is predicted to be benign by multiple in silico algorithms, and/or has population frequency not consistent with disease.

Breakthrough Genomics
Classification: Benign. Review status: criteria provided, single submitter. Criteria: ACMG Guidelines, 2015. Collection method: not provided. Allele origin: germline. Inheritance: Autosomal recessive inheritance. Affected: yes.